The following is an entry in ClinVar:

ClinVar aggregate classification (germline): Pathogenic (1 of 4 stars; one submission).

Submission:

Labcorp Genetics (formerly Invitae), Labcorp
Classification: Pathogenic. Last evaluated: 2022-10-23. Review status: criteria provided, single submitter. Criteria: Invitae Variant Classification Sherloc (09022015). Collection method: clinical testing. Allele origin: germline.
Comment: This variant is not present in population databases (gnomAD no frequency). For these reasons, this variant has been classified as Pathogenic. Algorithms developed to predict the effect of sequence changes on RNA splicing suggest that this variant may disrupt the consensus splice site. This variant has not been reported in the literature in individuals affected with NDP-related conditions. This sequence change creates a premature translational stop signal (p.Thr22Lysfs*10) in the NDP gene. It is expected to result in an absent or disrupted protein product. Loss-of-function variants in NDP are known to be pathogenic (PMID: 17296899, 20340138).

Literature cited by the submitters: PubMed 17296899; PubMed 20340138.

NM_000266.4(NDP):c.65del (p.Thr22fs)

Genes: NDP (norrin cystine knot growth factor NDP; minus strand), NDP-AS1 (NDP antisense RNA 1; plus strand). Cytogenetic location: Xp11.3.
Variant type: Deletion.
Coding change: c.65del on transcript NM_000266.4 (MANE Select); coding-DNA position 65, one base deleted (C; older notation c.65delC).
Protein change: p.Thr22fs; shifts the reading frame from threonine 22.
Molecular consequence: frameshift variant.
Genome position (GRCh38, 1-based): chrX:43,958,581, G deleted on the plus strand (C on the coding strand, the reverse complement: NDP is on the minus strand). VCF-style (leftmost placement, unchanged base first): chrX-43958580-TG-T. GRCh37 (hg19) VCF-style: chrX-43817826-TG-T.
Other names: short protein forms T22fs.
Identifiers: ClinVar variation 2737216 (VCV002737216.3), dbSNP rs2519320606, ClinGen allele CA2695233494.